The following is an entry in ClinVar:

NM_001009944.3(PKD1):c.11177G>A (p.Trp3726Ter)

Genes: PKD1 (polycystin 1, transient receptor potential channel interacting; minus strand), PKD1-AS1 (PKD1 antisense RNA 1; plus strand). Cytogenetic location: 16p13.3.
Variant type: single nucleotide variant.
Coding change: c.11177G>A on transcript NM_001009944.3 (MANE Select); coding-DNA position 11177, G replaced by A.
Protein change: p.Trp3726Ter; replaces tryptophan 3726 with a stop codon.
Molecular consequence: nonsense.
Genome position (GRCh38, 1-based): chr16:2,092,572, C>T on the plus strand (G>A on the coding strand, the complement: PKD1 is on the minus strand). VCF-style: chr16-2092572-C-T. GRCh37 (hg19) VCF-style: chr16-2142573-C-T.
Other names: c.11174G>A, p.Trp3725Ter (NM_000296.4); short protein forms W3725*, W3726*.
Identifiers: ClinVar variation 4530602 (VCV004530602.2).

ClinVar aggregate classification (germline): Pathogenic. Review status: criteria provided, multiple submitters, no conflicts (2 of 4 stars). 2 submissions from 2 submitters: Pathogenic (2). Last evaluated 2025-09-22.

Conditions:
Cystic renal disease.
Polycystic kidney disease, adult type (PKD1). Also called: Polycystic Kidney, Autosomal Dominant; POLYCYSTIC KIDNEY DISEASE, ADULT, TYPE I; Polycystic Kidney Disease 1, Autosomal Dominant; Polycystic kidney disease 1; Polycystic kidney disease 1, severe; POLYCYSTIC KIDNEY DISEASE 1 WITH OR WITHOUT POLYCYSTIC LIVER DISEASE. Identifiers: MedGen C3149841, MONDO:0008263, OMIM 173900.

Submissions (2):

Genetics Laboratory, Great Ormond Street Hospital NHS Foundation Trust, North Thames Genomic Laboratory Hub
Classification: Pathogenic for Cystic renal disease. Last evaluated: 2025-09-22. Review status: criteria provided, single submitter. Criteria: ACGS Best Practice Guidelines for Variant Classification in Rare Disease 2024 v1.2. Collection method: clinical testing. Allele origin: germline. Affected: yes.
Comment: PS4_supporting, PM2_moderate, PVS1_very-strong

Medical Genetics and Prenatal Diagnosis Center, Guangxi Academy of Medical Sciences and the People’s Hospital of Guangxi Zhuang Autonomous Region
Classification: Pathogenic for Polycystic kidney disease, adult type. Review status: criteria provided, single submitter. Criteria: ACMG Guidelines, 2015. Collection method: clinical testing. Allele origin: paternal. Affected: yes.
Comment: NM_001009944.3(PKD1):c.11177G>A is a nonsense mutation predicted to cause premature termination of protein synthesis. This variant creates a premature termination codon, leading to a truncated protein product and predicted loss of normal gene function (PVS1); literature reports indicate this variant has been detected in multiple patients (2-5 cases) [PMID: 31730820; 26150605] (PS4_Supporting); this variant was not detected in the 1000 Genomes Project (1000G), the China Genome Database, the Exome Aggregation Consortium (ExAC), or the Genome Aggregation Database (gnomAD) (PM2_Supporting). In summary, based on the ACMG Guidelines, 2015 (PMID: 25741868), the above evidence supports this variant as Pathogenic for Polycystic kidney disease 1, classified as PVS1, PS4_Supporting, and PM2_Supporting.

Literature cited by the submitters: PubMed 31730820 (cited by Medical Genetics and Prenatal Diagnosis Center, Guangxi Academy of Medical Sciences and the People’s Hospital of Guangxi Zhuang Autonomous Region); PubMed 26150605 (cited by Medical Genetics and Prenatal Diagnosis Center, Guangxi Academy of Medical Sciences and the People’s Hospital of Guangxi Zhuang Autonomous Region).